The following is an entry in ClinVar:

ClinVar aggregate classification (germline): Uncertain significance (1 of 4 stars; one submission).

Submission:

Labcorp Genetics (formerly Invitae), Labcorp
Classification: Uncertain significance. Last evaluated: 2022-09-24. Review status: criteria provided, single submitter. Criteria: Invitae Variant Classification Sherloc (09022015). Collection method: clinical testing. Allele origin: germline.
Comment: This variant is not present in population databases (gnomAD no frequency). This variant has not been reported in the literature in individuals affected with TET2-related conditions. Algorithms developed to predict the effect of missense changes on protein structure and function output the following: SIFT: "Tolerated"; PolyPhen-2: "Benign"; Align-GVGD: "Class C0". The asparagine amino acid residue is found in multiple mammalian species, which suggests that this missense change does not adversely affect protein function. In summary, the available evidence is currently insufficient to determine the role of this variant in disease. Therefore, it has been classified as a Variant of Uncertain Significance. This sequence change replaces aspartic acid, which is acidic and polar, with asparagine, which is neutral and polar, at codon 1042 of the TET2 protein (p.Asp1042Asn).

NM_001127208.3(TET2):c.3124G>A (p.Asp1042Asn)

Genes: TET2 (tet methylcytosine dioxygenase 2; plus strand), TET2-AS1 (TET2 antisense RNA 1; minus strand). Cytogenetic location: 4q24.
Variant type: single nucleotide variant.
Coding change: c.3124G>A on transcript NM_001127208.3 (MANE Select); coding-DNA position 3124, G replaced by A.
Protein change: p.Asp1042Asn; replaces aspartic acid 1042 with asparagine.
Molecular consequence: missense variant.
Genome position (GRCh38, 1-based): chr4:105,237,066, G>A. VCF-style: chr4-105237066-G-A. GRCh37 (hg19) VCF-style: chr4-106158223-G-A.
Other names: c.3124G>A, p.Asp1042Asn (NM_017628.4); short protein forms D1042N.
Identifiers: ClinVar variation 2006535 (VCV002006535.4), dbSNP rs2476508051, ClinGen allele CA357801671.
Genomic context (GRCh38, chr4:105,237,066, plus strand): 5'-AAGAGCATCATTGAGACCATGGAGCAGCATCTGAAGCAGTTTCACGCCAAGTCGTTATTT[G>A]ACCATAAGGCTCTTACTCTCAAATCACAGAAGCAAGTAAAAGTTGAAATGTCAGGGCCAG-3'
Protein context (NP_001120680.1, residues 1032-1052): LKQFHAKSLF[Asp1042Asn]HKALTLKSQK